The following is an entry in ClinVar:

ClinVar aggregate classification (germline): Uncertain significance (1 of 4 stars; one submission).

Conditions:
Hereditary cancer-predisposing syndrome. Also called: Neoplastic Syndromes, Hereditary; Tumor predisposition; Hereditary Cancer Syndrome; Hereditary neoplastic syndrome. Identifiers: Orphanet 140162, MedGen C0027672, MeSH D009386, MONDO:0015356.

Submission:

Ambry Genetics
Classification: Uncertain significance for Hereditary cancer-predisposing syndrome. Last evaluated: 2021-07-04. Review status: criteria provided, single submitter. Criteria: Ambry Variant Classification Scheme 2023. Collection method: clinical testing. Allele origin: germline.
Comment: The p.E278K variant (also known as c.832G>A), located in coding exon 3 of the XRCC2 gene, results from a G to A substitution at nucleotide position 832. The glutamic acid at codon 278 is replaced by lysine, an amino acid with similar properties. This amino acid position is conserved. In addition, this alteration is predicted to be tolerated by in silico analysis. Since supporting evidence is limited at this time, the clinical significance of this alteration remains unclear.

NM_005431.2(XRCC2):c.832G>A (p.Glu278Lys)

Gene: XRCC2 (X-ray repair cross complementing 2; minus strand). Cytogenetic location: 7q36.1.
Variant type: single nucleotide variant.
Coding change: c.832G>A on transcript NM_005431.2 (MANE Select); coding-DNA position 832, G replaced by A.
Protein change: p.Glu278Lys; replaces glutamic acid 278 with lysine.
Molecular consequence: missense variant.
Genome position (GRCh38, 1-based): chr7:152,648,653, C>T on the plus strand (G>A on the coding strand, the complement: XRCC2 is on the minus strand). VCF-style: chr7-152648653-C-T. GRCh37 (hg19) VCF-style: chr7-152345738-C-T.
Other names: short protein forms E278K.
Identifiers: ClinVar variation 1762957 (VCV001762957.2), dbSNP rs2116986867, ClinGen allele CA370197842.